The following is an entry in ClinVar:

NM_015666.4(MTG2):c.681C>T (p.Ala227=)

Gene: MTG2 (mitochondrial ribosome associated GTPase 2; plus strand). Cytogenetic location: 20q13.33.
Variant type: single nucleotide variant.
Coding change: c.681C>T on transcript NM_015666.4 (MANE Select); coding-DNA position 681, C replaced by T.
Protein change: p.Ala227=; no amino-acid change (alanine 227 retained).
Molecular consequence: synonymous variant. On other transcripts: non-coding transcript variant (14).
Genome position (GRCh38, 1-based): chr20:62,198,846, C>T. VCF-style: chr20-62198846-C-T. GRCh37 (hg19) VCF-style: chr20-60773902-C-T.
Other names: c.735C>T, p.Ala245= (NM_001384347.1); c.681C>T, p.Ala227= (NM_001384348.1).
Identifiers: ClinVar variation 2652469 (VCV002652469.24), dbSNP rs142575745, ClinGen allele CA9937746.

ClinVar aggregate classification (germline): Likely benign (1 of 4 stars; one submission).

Allele frequency attached by ClinVar (database versions not stated): ExAC 0.00003; gnomAD 0.00003; gnomAD exomes 0.00005; ESP Exome Variant Server 0.00008; TOPMed 0.00011.
gnomAD v4.1: 81 of 1,613,880 alleles (0.005%); highest among the groups gnomAD compares: Middle Eastern, 0.066%; no homozygotes.

Submission:

CeGaT Center for Human Genetics Tuebingen
Classification: Likely benign. Last evaluated: 2022-09-01. Review status: criteria provided, single submitter. Criteria: CeGaT Center For Human Genetics Tuebingen Variant Classification Criteria Version 2. Collection method: clinical testing. Allele origin: germline. Affected: yes. Observed: 1 variant allele.
Comment: MTG2: BP4, BP7